The following is an entry in ClinVar:

NM_000493.4(COL10A1):c.1645A>G (p.Met549Val)

Genes: NT5DC1 (5'-nucleotidase domain containing 1; plus strand), COL10A1 (collagen type X alpha 1 chain; minus strand). Cytogenetic location: 6q22.1.
Variant type: single nucleotide variant.
Coding change: c.1645A>G on transcript NM_000493.4 (MANE Select); coding-DNA position 1645, A replaced by G.
Protein change: p.Met549Val; replaces methionine 549 with valine.
Molecular consequence: missense variant. On other transcripts: intron variant (1).
Genome position (GRCh38, 1-based): chr6:116,120,471, T>C on the plus strand (A>G on the coding strand, the complement: COL10A1 is on the minus strand). VCF-style: chr6-116120471-T-C. GRCh37 (hg19) VCF-style: chr6-116441634-T-C.
Other names: c.1645A>G, p.Met549Val (NM_001424106.1, NM_001424107.1); c.529+2526T>C (NM_152729.3); short protein forms M549V.
Identifiers: ClinVar variation 1421009 (VCV001421009.10), dbSNP rs150747104, ClinGen allele CA3968135.
Genomic context (GRCh38, chr6:116,120,471, plus strand): 5'-TGGGAGTTCCTATTGCTGGGTAAGCTTTGGAGAGAATAACAGTAAAAGCAGACACAGGCA[T>C]TCCTGTTACCCCCTGGTTGGCACTAACAAGAGGGGTCCCAGAAAGACTGGGCCTTTGGCC-3'
Protein context (NP_000484.2, residues 539-559): LVSANQGVTG[Met549Val]PVSAFTVILS

ClinVar aggregate classification (germline): Uncertain significance. Review status: criteria provided, multiple submitters, no conflicts (2 of 4 stars). 2 submissions from 2 submitters: Uncertain significance (2). Last evaluated 2026-01-07.

Conditions:
Inborn genetic diseases. Identifiers: MedGen C0950123, MeSH D030342.

Allele frequency attached by ClinVar (database versions not stated): gnomAD 0.00012; gnomAD exomes 0.00015 and 0.00028; TOPMed 0.00022; ESP Exome Variant Server 0.00023; ExAC 0.00036.
gnomAD v4.1: 240 of 1,614,260 alleles (0.015%); highest among the groups gnomAD compares: Non-Finnish European, 0.016%; no homozygotes.

Submissions (2):

Labcorp Genetics (formerly Invitae), Labcorp
Classification: Uncertain significance. Last evaluated: 2026-01-07. Review status: criteria provided, single submitter. Criteria: Invitae Variant Classification Sherloc (09022015). Collection method: clinical testing. Allele origin: germline.
Comment: This sequence change replaces methionine, which is neutral and non-polar, with valine, which is neutral and non-polar, at codon 549 of the COL10A1 protein (p.Met549Val). This variant is present in population databases (rs150747104, gnomAD 0.04%). This variant has not been reported in the literature in individuals affected with COL10A1-related conditions. ClinVar contains an entry for this variant (Variation ID: 1421009). Invitae Evidence Modeling of protein sequence and biophysical properties (such as structural, functional, and spatial information, amino acid conservation, physicochemical variation, residue mobility, and thermodynamic stability) has been performed for this missense variant. However, the output from this modeling did not meet the statistical confidence thresholds required to predict the impact of this variant on COL10A1 protein function. In summary, the available evidence is currently insufficient to determine the role of this variant in disease. Therefore, it has been classified as a Variant of Uncertain Significance.

Ambry Genetics
Classification: Uncertain significance for Inborn genetic diseases. Last evaluated: 2025-03-18. Review status: criteria provided, single submitter. Criteria: Ambry Variant Classification Scheme 2023. Collection method: clinical testing. Allele origin: germline.